The following is an entry in ClinVar:

ClinVar aggregate classification (germline): Uncertain significance. Review status: criteria provided, multiple submitters, no conflicts (2 of 4 stars). 2 submissions from 2 submitters: Uncertain significance (2). Last evaluated 2024-12-24.

Conditions:
Inborn genetic diseases. Identifiers: MedGen C0950123, MeSH D030342.

Allele frequency attached by ClinVar (database versions not stated): gnomAD exomes 0.00001; gnomAD 0.00002 and 0.00003.

Submissions (2):

Ambry Genetics
Classification: Uncertain significance for Inborn genetic diseases. Last evaluated: 2024-12-24. Review status: criteria provided, single submitter. Criteria: Ambry Variant Classification Scheme 2023. Collection method: clinical testing. Allele origin: germline.

GeneDx
Classification: Uncertain significance. Last evaluated: 2020-04-01. Review status: criteria provided, single submitter. Criteria: GeneDx Variant Classification Process June 2021. Collection method: clinical testing. Allele origin: germline. Affected: yes.
Comment: In silico analysis supports that this missense variant has a deleterious effect on protein structure/function; Has not been previously published as pathogenic or benign to our knowledge

NM_016366.3(CABP2):c.218G>A (p.Arg73Gln)

Gene: CABP2 (calcium binding protein 2; minus strand). Cytogenetic location: 11q13.2.
Variant type: single nucleotide variant.
Coding change: c.218G>A on transcript NM_016366.3 (MANE Select); coding-DNA position 218, G replaced by A.
Protein change: p.Arg73Gln; replaces arginine 73 with glutamine.
Molecular consequence: missense variant.
Genome position (GRCh38, 1-based): chr11:67,521,978, C>T on the plus strand (G>A on the coding strand, the complement: CABP2 is on the minus strand). VCF-style: chr11-67521978-C-T. GRCh37 (hg19) VCF-style: chr11-67289449-C-T.
Other names: c.236G>A, p.Arg79Gln (NM_001318496.2); short protein forms R73Q, R79Q.
Identifiers: ClinVar variation 1315101 (VCV001315101.3), dbSNP rs750036879, ClinGen allele CA6142547.